The following is an entry in ClinVar:

ClinVar aggregate classification (germline): Likely benign (1 of 4 stars; one submission).

Submission:

Women's Health and Genetics/Laboratory Corporation of America, LabCorp
Classification: Likely benign. Last evaluated: 2024-04-15. Review status: criteria provided, single submitter. Criteria: LabCorp Variant Classification Summary - May 2015. Collection method: clinical testing. Allele origin: germline.
Comment: Variant summary: PLOD1 c.315G>C alters a conserved nucleotide resulting in a synonymous change. Consensus agreement among computation tools predict no significant impact on normal splicing. However, these predictions have yet to be confirmed by functional studies. The variant was absent in 250252 control chromosomes. The available data on variant occurrences in the general population are insufficient to allow any conclusion about variant significance. To our knowledge, no occurrence of c.315G>C in individuals affected with Ehlers-Danlos Syndrome Type VI and no experimental evidence demonstrating its impact on protein function have been reported. No submitters have cited clinical-significance assessments for this variant to ClinVar. Based on the evidence outlined above, the variant was classified as likely benign.

NM_000302.4(PLOD1):c.315G>C (p.Leu105=)

Gene: PLOD1 (procollagen-lysine,2-oxoglutarate 5-dioxygenase 1; plus strand). Cytogenetic location: 1p36.22.
Variant type: single nucleotide variant.
Coding change: c.315G>C on transcript NM_000302.4 (MANE Select); coding-DNA position 315, G replaced by C.
Protein change: p.Leu105=; no amino-acid change (leucine 105 retained).
Molecular consequence: synonymous variant.
Genome position (GRCh38, 1-based): chr1:11,950,369, G>C. VCF-style: chr1-11950369-G-C. GRCh37 (hg19) VCF-style: chr1-12010426-G-C.
Other names: c.456G>C, p.Leu152= (NM_001316320.2).
Identifiers: ClinVar variation 3251285 (VCV003251285.1), dbSNP rs779398093.
Genomic context (GRCh38, chr1:11,950,369, plus strand): 5'-CCCTGCTCACCCTTGCCCTGCTCCGTCTTCTCGCTGCTCTGGCCACAGCTATGACGTGCT[G>C]TTTGCATCGGGGCCCCGGGAGCTCCTGAAGAAGTTCCGGCAGGCCAGGAGCCAGGTGGTC-3'
Protein context (NP_000293.2, residues 95-115): VILFADSYDV[Leu105=]FASGPRELLK